The following is an entry in ClinVar:

NM_001267550.2(TTN):c.1468G>T (p.Glu490Ter)

Gene: TTN (titin; minus strand). Cytogenetic location: 2q31.2.
Variant type: single nucleotide variant.
Coding change: c.1468G>T on transcript NM_001267550.2 (MANE Select); coding-DNA position 1468, G replaced by T.
Protein change: p.Glu490Ter; replaces glutamic acid 490 with a stop codon.
Molecular consequence: nonsense.
Genome position (GRCh38, 1-based): chr2:178,793,472, C>A on the plus strand (G>T on the coding strand, the complement: TTN is on the minus strand). VCF-style: chr2-178793472-C-A. GRCh37 (hg19) VCF-style: chr2-179658199-C-A.
Other names: c.1468G>T, p.Glu490Ter (NM_001256850.1, NM_003319.4, NM_133378.4 and 3 more transcripts); short protein forms E490*.
Identifiers: ClinVar variation 4879836 (VCV004879836.1).

ClinVar aggregate classification (germline): Likely pathogenic (1 of 4 stars; one submission).

Conditions:
Dilated cardiomyopathy 1G (CMD1G). Identifiers: Orphanet 154, MedGen C1858763, MONDO:0011400, OMIM 604145.

Submission:

MVZ Medizinische Genetik Mainz
Classification: Likely pathogenic for Dilated cardiomyopathy 1G. Last evaluated: 2026-06-17. Review status: criteria provided, single submitter. Criteria: UK Practice Guidelines For Variant Classification V4 01 2020. Collection method: clinical testing. Allele origin: germline. Inheritance: Autosomal dominant inheritance. Affected: yes. Observed: 1 variant allele.
Comment: ACMG Criteria: PP1_STR,PVS1_MOD,PM2_SUP